The following is an entry in ClinVar:

NM_006348.5(COG5):c.1238C>T (p.Thr413Ile)

Gene: COG5 (component of oligomeric golgi complex 5; minus strand). Cytogenetic location: 7q22.3.
Variant type: single nucleotide variant.
Coding change: c.1238C>T on transcript NM_006348.5 (MANE Select); coding-DNA position 1238, C replaced by T.
Protein change: p.Thr413Ile; replaces threonine 413 with isoleucine.
Molecular consequence: missense variant.
Genome position (GRCh38, 1-based): chr7:107,298,217, G>A on the plus strand (C>T on the coding strand, the complement: COG5 is on the minus strand). VCF-style: chr7-107298217-G-A. GRCh37 (hg19) VCF-style: chr7-106938662-G-A.
Other names: c.1238C>T, p.Thr413Ile (NM_001161520.2, NM_001379511.1, NM_001379512.1 and 3 more transcripts); c.668C>T, p.Thr223Ile (NM_001379515.1); c.524C>T, p.Thr175Ile (NM_001379516.1); short protein forms T175I, T223I, T413I.
Identifiers: ClinVar variation 1413334 (VCV001413334.5), dbSNP rs147389453, ClinGen allele CA4430974.

ClinVar aggregate classification (germline): Uncertain significance (1 of 4 stars; one submission).

Conditions:
COG5-congenital disorder of glycosylation. Also called: CDG IIi; CONGENITAL DISORDER OF GLYCOSYLATION, TYPE IIi; COG5-CDG. Identifiers: Orphanet 263487, MedGen C3150876, MONDO:0013325, OMIM 613612.

Allele frequency attached by ClinVar (database versions not stated): ExAC 0.00002; TOPMed 0.00002; gnomAD exomes 0.00003; gnomAD 0.00004; ESP Exome Variant Server 0.00008.
gnomAD v4.1: 48 of 1,613,572 alleles (0.003%); highest among the groups gnomAD compares: Middle Eastern, 0.016%; no homozygotes.

Submission:

Labcorp Genetics (formerly Invitae), Labcorp
Classification: Uncertain significance for COG5-congenital disorder of glycosylation. Last evaluated: 2022-08-09. Review status: criteria provided, single submitter. Criteria: Invitae Variant Classification Sherloc (09022015). Collection method: clinical testing. Allele origin: germline.
Comment: This sequence change replaces threonine, which is neutral and polar, with isoleucine, which is neutral and non-polar, at codon 444 of the COG5 protein (p.Thr444Ile). This variant is present in population databases (rs147389453, gnomAD 0.006%). This variant has not been reported in the literature in individuals affected with COG5-related conditions. ClinVar contains an entry for this variant (Variation ID: 1413334). Algorithms developed to predict the effect of missense changes on protein structure and function (SIFT, PolyPhen-2, Align-GVGD) all suggest that this variant is likely to be tolerated. In summary, the available evidence is currently insufficient to determine the role of this variant in disease. Therefore, it has been classified as a Variant of Uncertain Significance.